The following is an entry in ClinVar:

NM_032888.4(COL27A1):c.4152+1G>A

Genes: COL27A1 (collagen type XXVII alpha 1 chain; plus strand), LOC126860736 (MED14-independent group 3 enhancer GRCh37_chr9:117050487-117051686; plus strand). Cytogenetic location: 9q32.
Variant type: single nucleotide variant.
Coding change: c.4152+1G>A on transcript NM_032888.4 (MANE Select); the canonical splice donor site of the intron after coding-DNA position 4152, G replaced by A.
Molecular consequence: splice donor variant.
Genome position (GRCh38, 1-based): chr9:114,288,968, G>A. VCF-style: chr9-114288968-G-A. GRCh37 (hg19) VCF-style: chr9-117051248-G-A.
Identifiers: ClinVar variation 1066232 (VCV001066232.9), dbSNP rs2131618521, ClinGen allele CA374599905.

ClinVar aggregate classification (germline): Conflicting classifications of pathogenicity. Review status: criteria provided, conflicting classifications (1 of 4 stars). 3 submissions from 3 submitters: Likely pathogenic (2); Uncertain significance (1). Last evaluated 2024-06-11.

Conditions:
Steel syndrome (STLS). Identifiers: Orphanet 438117, MedGen C3554594, MONDO:0014061, OMIM 615155.

Allele frequency attached by ClinVar (database versions not stated): gnomAD exomes below 0.00001.
gnomAD v4.1: 5 of 1,613,704 alleles (0.00031%); highest among the groups gnomAD compares: East Asian, 0.0022%; no homozygotes.

Submissions (3):

Blueprint Genetics
Classification: Uncertain significance. Last evaluated: 2024-06-11. Review status: criteria provided, single submitter. Criteria: ACMG Guidelines, 2015. Collection method: clinical testing. Allele origin: germline.

Fulgent Genetics
Classification: Likely pathogenic for Steel syndrome. Last evaluated: 2024-04-30. Review status: criteria provided, single submitter. Criteria: ACMG Guidelines, 2015. Collection method: clinical testing. Allele origin: germline.

Labcorp Genetics (formerly Invitae), Labcorp
Classification: Likely pathogenic. Last evaluated: 2022-08-31. Review status: criteria provided, single submitter. Criteria: Invitae Variant Classification Sherloc (09022015). Collection method: clinical testing. Allele origin: germline.
Comment: This sequence change affects a donor splice site in intron 44 of the COL27A1 gene. It is expected to disrupt RNA splicing. Variants that disrupt the donor or acceptor splice site typically lead to a loss of protein function (PMID: 16199547), and loss-of-function variants in COL27A1 are known to be pathogenic (PMID: 24986830, 28276056). Algorithms developed to predict the effect of sequence changes on RNA splicing suggest that this variant may disrupt the consensus splice site. In summary, the currently available evidence indicates that the variant is pathogenic, but additional data are needed to prove that conclusively. Therefore, this variant has been classified as Likely Pathogenic. This variant has not been reported in the literature in individuals affected with COL27A1-related conditions. This variant is not present in population databases (gnomAD no frequency). ClinVar contains an entry for this variant (Variation ID: 1066232).

Literature cited by the submitters: PubMed 16199547 (cited by Labcorp Genetics (formerly Invitae), Labcorp); PubMed 24986830 (cited by Labcorp Genetics (formerly Invitae), Labcorp); PubMed 28276056 (cited by Labcorp Genetics (formerly Invitae), Labcorp).